The following is an entry in ClinVar:

NM_024818.6(UBA5):c.951A>G (p.Lys317=)

Genes: NPHP3-ACAD11 (NPHP3-ACAD11 readthrough (NMD candidate); minus strand), UBA5 (ubiquitin like modifier activating enzyme 5; plus strand). Cytogenetic location: 3q22.1.
Variant type: single nucleotide variant.
Coding change: c.951A>G on transcript NM_024818.6 (MANE Select); coding-DNA position 951, A replaced by G.
Protein change: p.Lys317=; no amino-acid change (lysine 317 retained).
Molecular consequence: synonymous variant.
Genome position (GRCh38, 1-based): chr3:132,675,607, A>G. VCF-style: chr3-132675607-A-G. GRCh37 (hg19) VCF-style: chr3-132394451-A-G.
Other names: c.783A>G, p.Lys261= (NM_001320210.2, NM_198329.4); c.681A>G, p.Lys227= (NM_001321238.2); c.615A>G, p.Lys205= (NM_001321239.1).
Identifiers: ClinVar variation 3722541 (VCV003722541.2).

ClinVar aggregate classification (germline): Uncertain significance (1 of 4 stars; one submission).

gnomAD v4.1: 2 of 1,610,430 alleles (0.00012%); highest among the groups gnomAD compares: East Asian, 0.0045%; no homozygotes.

Submission:

Labcorp Genetics (formerly Invitae), Labcorp
Classification: Uncertain significance. Last evaluated: 2024-11-11. Review status: criteria provided, single submitter. Criteria: Invitae Variant Classification Sherloc (09022015). Collection method: clinical testing. Allele origin: germline.
Comment: This sequence change affects codon 317 of the UBA5 mRNA. It is a 'silent' change, meaning that it does not change the encoded amino acid sequence of the UBA5 protein. This variant is not present in population databases (gnomAD no frequency). This variant has not been reported in the literature in individuals affected with UBA5-related conditions. Algorithms developed to predict the effect of sequence changes on RNA splicing suggest that this variant may create or strengthen a splice site. In summary, the available evidence is currently insufficient to determine the role of this variant in disease. Therefore, it has been classified as a Variant of Uncertain Significance.